The following is an entry in ClinVar:

NM_182961.4(SYNE1):c.14769A>G (p.Glu4923=)

Gene: SYNE1 (spectrin repeat containing nuclear envelope protein 1; minus strand). Cytogenetic location: 6q25.2.
Variant type: single nucleotide variant.
Coding change: c.14769A>G on transcript NM_182961.4 (MANE Select); coding-DNA position 14769, A replaced by G.
Protein change: p.Glu4923=; no amino-acid change (glutamic acid 4923 retained).
Molecular consequence: synonymous variant.
Genome position (GRCh38, 1-based): chr6:152,329,916, T>C on the plus strand (A>G on the coding strand, the complement: SYNE1 is on the minus strand). VCF-style: chr6-152329916-T-C. GRCh37 (hg19) VCF-style: chr6-152651051-T-C.
Other names: p.Glu4852=; c.14556A>G, p.Glu4852= (NM_033071.5).
Identifiers: ClinVar variation 198672 (VCV000198672.47), dbSNP rs141057568, ClinGen allele CA247461.

ClinVar aggregate classification (germline): Conflicting classifications of pathogenicity. Review status: criteria provided, conflicting classifications (1 of 4 stars). 10 submissions from 9 submitters: Uncertain significance (1); Benign (5); Likely benign (4). Last evaluated 2026-09-01.

Conditions:
SYNE1-related disorder. Also called: SYNE1-related disease; SYNE1-related condition; SYNE1-related disorders.
Emery-Dreifuss muscular dystrophy 4, autosomal dominant (EDMD4). Also called: EMERY-DREIFUSS MUSCULAR DYSTROPHY 4 WITH VARIABLE FEATURES. Identifiers: Orphanet 261, MedGen C2751807, MONDO:0013071, OMIM 612998.
Autosomal recessive ataxia, Beauce type. Also called: SYNE1 Deficiency; ATAXIA, RECESSIVE, OF BEAUCE; Spinocerebellar ataxia, autosomal recessive 8; SYNE1-Related Autosomal Recessive Cerebellar Ataxia. Identifiers: Orphanet 88644, MedGen C1853116, MONDO:0012549, OMIM 610743.

Allele frequency attached by ClinVar (database versions not stated): gnomAD 0.00063 and 0.00069; TOPMed 0.00077; 1000 Genomes Project 0.00080; gnomAD exomes 0.00083 and 0.00134; 1000 Genomes Project 30x 0.00094; ExAC 0.00100; ESP Exome Variant Server 0.00115.
gnomAD v4.1: 1,352 of 1,614,174 alleles (0.084%); highest among the groups gnomAD compares: South Asian, 0.27%; 9 homozygotes.

Submissions (10):

CeGaT Center for Human Genetics Tuebingen
Classification: Likely benign. Last evaluated: 2026-09-01. Review status: criteria provided, single submitter. Criteria: CeGaT Center For Human Genetics Tuebingen Variant Classification Criteria Version 2. Collection method: clinical testing. Allele origin: germline. Affected: yes. Observed: 10 variant alleles.
Comment: SYNE1: BP4, BP7

Labcorp Genetics (formerly Invitae), Labcorp
Classification: Benign for Emery-Dreifuss muscular dystrophy 4, autosomal dominant; Autosomal recessive ataxia, Beauce type. Last evaluated: 2025-12-26. Review status: criteria provided, single submitter. Criteria: Invitae Variant Classification Sherloc (09022015). Collection method: clinical testing. Allele origin: germline.

PreventionGenetics, part of Exact Sciences
Classification: Benign for SYNE1-related condition. Last evaluated: 2025-01-06. Review status: criteria provided, single submitter. Criteria: ACMG Guidelines, 2015. Collection method: clinical testing. Allele origin: germline.
Comment: This variant is classified as benign based on ACMG/AMP sequence variant interpretation guidelines (Richards et al. 2015 PMID: 25741868, with internal and published modifications).

Blueprint Genetics
Classification: Likely benign. Last evaluated: 2024-11-17. Review status: criteria provided, single submitter. Criteria: ACMG Guidelines, 2015. Collection method: clinical testing. Allele origin: germline.

Mayo Clinic Laboratories, Mayo Clinic
Classification: Benign. Last evaluated: 2024-05-13. Review status: criteria provided, single submitter. Criteria: ACMG Guidelines, 2015. Collection method: clinical testing. Allele origin: germline. Observed: 3 variant alleles.
Comment: BA1, BP4, BP7

GeneDx
Classification: Likely benign. Last evaluated: 2020-04-06. Review status: criteria provided, single submitter. Criteria: GeneDx Variant Classification Process June 2021. Collection method: clinical testing. Allele origin: germline. Affected: yes.

Illumina Laboratory Services, Illumina
Classification: Benign for Emery-Dreifuss muscular dystrophy 4, autosomal dominant. Last evaluated: 2018-01-13. Review status: criteria provided, single submitter. Criteria: ICSL Variant Classification Criteria 13 December 2019. Collection method: clinical testing. Allele origin: germline.
Comment: This variant was observed in the ICSL laboratory as part of a predisposition screen in an ostensibly healthy population. It had not been previously curated by ICSL or reported in the Human Gene Mutation Database (HGMD: prior to June 1st, 2018), and was therefore a candidate for classification through an automated scoring system. Utilizing variant allele frequency, disease prevalence and penetrance estimates, and inheritance mode, an automated score was calculated to assess if this variant is too frequent to cause the disease. Based on the score and internal cut-off values, a variant classified as benign is not then subjected to further curation. The score for this variant resulted in a classification of benign for this disease.

Illumina Laboratory Services, Illumina
Classification: Uncertain significance for Autosomal recessive ataxia, Beauce type. Last evaluated: 2018-01-13. Review status: criteria provided, single submitter. Criteria: ICSL Variant Classification Criteria 13 December 2019. Collection method: clinical testing. Allele origin: germline.

Athena Diagnostics
Classification: Benign. Last evaluated: 2017-06-20. Review status: criteria provided, single submitter. Criteria: Athena Diagnostics Criteria. Collection method: clinical testing. Allele origin: germline.

Eurofins Ntd Llc (ga)
Classification: Likely benign. Last evaluated: 2017-05-09. Review status: criteria provided, single submitter. Criteria: EGL Classification Definitions 2015. Collection method: clinical testing. Allele origin: germline. Observed: 10 variant alleles, 10 heterozygotes.